The following is an entry in ClinVar:

ClinVar aggregate classification (germline): Uncertain significance (1 of 4 stars; one submission).

Submission:

Women's Health and Genetics/Laboratory Corporation of America, LabCorp
Classification: Uncertain significance. Last evaluated: 2024-03-20. Review status: criteria provided, single submitter. Criteria: LabCorp Variant Classification Summary - May 2015. Collection method: clinical testing. Allele origin: germline.
Comment: Variant summary: COL4A3 c.3803G>A (p.Gly1268Glu) results in a non-conservative amino acid change located in the Collagen triple helix repeat (IPR008160) of the encoded protein sequence. Five of five in-silico tools predict a damaging effect of the variant on protein function. The variant was absent in 249486 control chromosomes. The available data on variant occurrences in the general population are insufficient to allow any conclusion about variant significance. To our knowledge, no occurrence of c.3803G>A in individuals affected with Alport Syndrome, Autosomal Recessive and no experimental evidence demonstrating its impact on protein function have been reported. No submitters have cited clinical-significance assessments for this variant to ClinVar. Based on the evidence outlined above, the variant was classified as uncertain significance.

NM_000091.5(COL4A3):c.3803G>A (p.Gly1268Glu)

Genes: COL4A3 (collagen type IV alpha 3 chain; plus strand), MFF-DT (MFF divergent transcript; minus strand). Cytogenetic location: 2q36.3.
Variant type: single nucleotide variant.
Coding change: c.3803G>A on transcript NM_000091.5 (MANE Select); coding-DNA position 3803, G replaced by A.
Protein change: p.Gly1268Glu; replaces glycine 1268 with glutamic acid.
Molecular consequence: missense variant.
Genome position (GRCh38, 1-based): chr2:227,298,733, G>A. VCF-style: chr2-227298733-G-A. GRCh37 (hg19) VCF-style: chr2-228163449-G-A.
Other names: short protein forms G1268E.
Identifiers: ClinVar variation 3233854 (VCV003233854.2), dbSNP rs2469885714, ClinGen allele CA350861110.